The following is an entry in ClinVar:

NM_001369.3(DNAH5):c.11987G>T (p.Arg3996Leu)

Gene: DNAH5 (dynein axonemal heavy chain 5; minus strand). Cytogenetic location: 5p15.2.
Variant type: single nucleotide variant.
Coding change: c.11987G>T on transcript NM_001369.3 (MANE Select); coding-DNA position 11987, G replaced by T.
Protein change: p.Arg3996Leu; replaces arginine 3996 with leucine.
Molecular consequence: missense variant.
Genome position (GRCh38, 1-based): chr5:13,727,553, C>A on the plus strand (G>T on the coding strand, the complement: DNAH5 is on the minus strand). VCF-style: chr5-13727553-C-A. GRCh37 (hg19) VCF-style: chr5-13727662-C-A.
Other names: short protein forms R3996L.
Identifiers: ClinVar variation 3603316 (VCV003603316.2).

ClinVar aggregate classification (germline): Uncertain significance (1 of 4 stars; one submission).

Conditions:
Primary ciliary dyskinesia. Also called: Ciliary dyskinesia. Identifiers: Orphanet 244, MedGen C0008780, MONDO:0016575, HP:0012265.

Submission:

Labcorp Genetics (formerly Invitae), Labcorp
Classification: Uncertain significance for Primary ciliary dyskinesia. Last evaluated: 2024-10-17. Review status: criteria provided, single submitter. Criteria: Invitae Variant Classification Sherloc (09022015). Collection method: clinical testing. Allele origin: germline.
Comment: This sequence change replaces arginine, which is basic and polar, with leucine, which is neutral and non-polar, at codon 3996 of the DNAH5 protein (p.Arg3996Leu). This variant is not present in population databases (gnomAD no frequency). This variant has not been reported in the literature in individuals affected with DNAH5-related conditions. Invitae Evidence Modeling of protein sequence and biophysical properties (such as structural, functional, and spatial information, amino acid conservation, physicochemical variation, residue mobility, and thermodynamic stability) indicates that this missense variant is not expected to disrupt DNAH5 protein function with a negative predictive value of 95%. In summary, the available evidence is currently insufficient to determine the role of this variant in disease. Therefore, it has been classified as a Variant of Uncertain Significance.